The following is an entry in ClinVar:

NM_007294.4(BRCA1):c.2671T>G (p.Ser891Ala)

Gene: BRCA1 (BRCA1 DNA repair associated; minus strand). Cytogenetic location: 17q21.31.
Variant type: single nucleotide variant.
Coding change: c.2671T>G on transcript NM_007294.4 (MANE Select); coding-DNA position 2671, T replaced by G.
Protein change: p.Ser891Ala; replaces serine 891 with alanine.
Molecular consequence: missense variant. On other transcripts: intron variant (137).
Genome position (GRCh38, 1-based): chr17:43,092,860, A>C on the plus strand (T>G on the coding strand, the complement: BRCA1 is on the minus strand). VCF-style: chr17-43092860-A-C. GRCh37 (hg19) VCF-style: chr17-41244877-A-C.
Other names: c.2458T>G, p.Ser820Ala (NM_001407571.1, NM_001407853.1, NM_001407894.1 and 9 more transcripts); c.2671T>G, p.Ser891Ala (NM_001407581.1, NM_001407582.1, NM_001407583.1 and 30 more transcripts); c.2668T>G, p.Ser890Ala (NM_001407587.1, NM_001407590.1, NM_001407591.1 and 22 more transcripts); c.2662T>G, p.Ser888Ala (NM_001407646.1, NM_001407647.1); c.2548T>G, p.Ser850Ala (NM_001407648.1, NM_001407664.1, NM_001407665.1 and 19 more transcripts); c.2545T>G, p.Ser849Ala (NM_001407649.1, NM_001407670.1, NM_001407671.1 and 11 more transcripts); c.2593T>G, p.Ser865Ala (NM_001407653.1, NM_001407654.1, NM_001407655.1 and 4 more transcripts); c.2590T>G, p.Ser864Ala (NM_001407659.1, NM_001407660.1, NM_001407661.1 and 1 more transcripts); and 41 more; short protein forms S723A, S802A, S820A, S823A, S864A, S891A, S595A, S780A.
Identifiers: ClinVar variation 3261477 (VCV003261477.1).

ClinVar aggregate classification (germline): Uncertain significance (1 of 4 stars; one submission).

Conditions:
Hereditary cancer-predisposing syndrome. Also called: Hereditary Cancer Syndrome; Tumor predisposition; Hereditary neoplastic syndrome; Neoplastic Syndromes, Hereditary. Identifiers: Orphanet 140162, MedGen C0027672, MeSH D009386, MONDO:0015356.

Submission:

Ambry Genetics
Classification: Uncertain significance for Hereditary cancer-predisposing syndrome. Last evaluated: 2024-05-02. Review status: criteria provided, single submitter. Criteria: Ambry Variant Classification Scheme 2023. Collection method: clinical testing. Allele origin: germline.
Comment: The p.S891A variant (also known as c.2671T>G), located in coding exon 9 of the BRCA1 gene, results from a T to G substitution at nucleotide position 2671. The serine at codon 891 is replaced by alanine, an amino acid with similar properties. This amino acid position is conserved. In addition, this alteration is predicted to be tolerated by in silico analysis. Based on the available evidence, the clinical significance of this variant remains unclear.